The following is an entry in ClinVar:

NM_005228.5(EGFR):c.1115T>C (p.Leu372Pro)

Genes: EGFR (epidermal growth factor receptor; plus strand), LOC126860048 (P300/CBP strongly-dependent group 1 enhancer GRCh37_chr7:55223847-55225046; plus strand). Cytogenetic location: 7p11.2.
Variant type: single nucleotide variant.
Coding change: c.1115T>C on transcript NM_005228.5 (MANE Select); coding-DNA position 1115, T replaced by C.
Protein change: p.Leu372Pro; replaces leucine 372 with proline.
Molecular consequence: missense variant.
Genome position (GRCh38, 1-based): chr7:55,156,641, T>C. VCF-style: chr7-55156641-T-C. GRCh37 (hg19) VCF-style: chr7-55224334-T-C.
Other names: c.980T>C, p.Leu327Pro (NM_001346897.2, NM_001346899.2); c.1115T>C, p.Leu372Pro (NM_001346898.2, NM_201282.2, NM_201283.2 and 1 more transcripts); c.956T>C, p.Leu319Pro (NM_001346900.2); c.314T>C, p.Leu105Pro (NM_001346941.2); short protein forms L105P, L319P, L327P, L372P.
Identifiers: ClinVar variation 4870248 (VCV004870248.1).
Genomic context (GRCh38, chr7:55,156,641, plus strand): 5'-ATGCTACGAATATTAAACACTTCAAAAACTGCACCTCCATCAGTGGCGATCTCCACATCC[T>C]GCCGGTGGCATTTAGGGGGTGAGTCACAGGTTCAGTTGCTTGTATAAAGAAAAACAAAAT-3'
Protein context (NP_005219.2, residues 362-382): CTSISGDLHI[Leu372Pro]PVAFRGDSFT

ClinVar aggregate classification (germline): Uncertain significance (1 of 4 stars; one submission).

Conditions:
Hereditary cancer-predisposing syndrome. Also called: Neoplastic Syndromes, Hereditary; Tumor predisposition; Hereditary Cancer Syndrome; Hereditary neoplastic syndrome. Identifiers: Orphanet 140162, MedGen C0027672, MeSH D009386, MONDO:0015356.

Submission:

Ambry Genetics
Classification: Uncertain significance for Hereditary cancer-predisposing syndrome. Last evaluated: 2026-04-21. Review status: criteria provided, single submitter. Criteria: Ambry Variant Classification Scheme 2023. Collection method: clinical testing. Allele origin: germline.
Comment: The p.L372P variant (also known as c.1115T>C), located in coding exon 9 of the EGFR gene, results from a T to C substitution at nucleotide position 1115. The leucine at codon 372 is replaced by proline, an amino acid with similar properties. This amino acid position is well conserved in available vertebrate species. In addition, this alteration is predicted to be deleterious by in silico analysis. Based on the available evidence, the clinical significance of this variant remains unclear.